The following is an entry in ClinVar:

NM_000059.4(BRCA2):c.3264_3265insTT (p.Gln1089fs)

Gene: BRCA2 (BRCA2 DNA repair associated; plus strand). Cytogenetic location: 13q13.1.
Variant type: Insertion.
Coding change: c.3264_3265insTT on transcript NM_000059.4 (MANE Select); coding-DNA positions 3264 to 3265, TT inserted.
Protein change: p.Gln1089fs; shifts the reading frame from glutamine 1089.
Molecular consequence: frameshift variant.
Genome position: GRCh38 VCF-style: chr13-32337618-C-CTT. GRCh37 (hg19) VCF-style: chr13-32911755-C-CTT.
Other names: short protein forms Q1089fs.
Identifiers: ClinVar variation 51436 (VCV000051436.3), dbSNP rs80359380, ClinGen allele CA017657.

ClinVar aggregate classification (germline): Pathogenic. Review status: reviewed by expert panel (3 of 4 stars). 2 submissions from 2 submitters: Pathogenic (1). 1 of the submissions does not count toward it. Last evaluated 2017-12-15.

Conditions:
Familial cancer of breast. Also called: BREAST CANCER, FAMILIAL; Hereditary breast cancer; hereditary breast carcinoma. Identifiers: Orphanet 227535, MedGen C0346153, MONDO:0016419, OMIM 114480. Disease mechanism: loss of function.
Breast-ovarian cancer, familial, susceptibility to, 2 (BROVCA2). Also called: BRCA2 Hereditary Breast and Ovarian Cancer. Identifiers: Orphanet 145, MedGen C2675520, MONDO:0012933, OMIM 612555. Disease mechanism: loss of function.

Allele frequency attached by ClinVar (database versions not stated): ExAC 0.00001; gnomAD 0.00001; TOPMed 0.00002; gnomAD exomes 0.00003.

Submissions (2):

Evidence-based Network for the Interpretation of Germline Mutant Alleles (ENIGMA)
Classification: Pathogenic for Breast-ovarian cancer, familial, susceptibility to, 2. Last evaluated: 2017-12-15. Review status: reviewed by expert panel. Criteria: ENIGMA BRCA1/2 Classification Criteria (2017-06-29). Collection method: curation. Allele origin: germline. Study: ENIGMA.
Comment: Variant allele predicted to encode a truncated non-functional protein.

ClinVar Staff, National Center for Biotechnology Information (NCBI)
No classification provided. Condition: Familial cancer of breast. Review status: no classification provided. Collection method: literature only. Allele origin: germline. Affected: yes. Not counted in ClinVar's aggregate classification.

Literature cited by the submitters: PubMed 12928470 (cited by ClinVar Staff, National Center for Biotechnology Information (NCBI)).